The following is an entry in ClinVar:

NM_001698.3(AUH):c.791G>A (p.Gly264Glu)

Gene: AUH (AU RNA binding methylglutaconyl-CoA hydratase; minus strand). Cytogenetic location: 9q22.31.
Variant type: single nucleotide variant.
Coding change: c.791G>A on transcript NM_001698.3 (MANE Select); coding-DNA position 791, G replaced by A.
Protein change: p.Gly264Glu; replaces glycine 264 with glutamic acid.
Molecular consequence: missense variant.
Genome position (GRCh38, 1-based): chr9:91,220,857, C>T on the plus strand (G>A on the coding strand, the complement: AUH is on the minus strand). VCF-style: chr9-91220857-C-T. GRCh37 (hg19) VCF-style: chr9-93983139-C-T.
Other names: p.G264E:GGA>GAA; p.Gly264Glu; c.704G>A, p.Gly235Glu (NM_001306190.2); c.464G>A, p.Gly155Glu (NM_001351431.2, NM_001351432.2, NM_001351433.2); short protein forms G264E, G235E, G155E.
Identifiers: ClinVar variation 214148 (VCV000214148.12), dbSNP rs376821113, ClinGen allele CA324627.

ClinVar aggregate classification (germline): Uncertain significance. Review status: criteria provided, multiple submitters, no conflicts (2 of 4 stars). 6 submissions from 6 submitters: Uncertain significance (6). Last evaluated 2025-08-19.

Conditions:
Inborn genetic diseases. Identifiers: MedGen C0950123, MeSH D030342.
3-methylglutaconic aciduria type 1 (MGCA1). Identifiers: Orphanet 67046, MedGen C0342727, MONDO:0009610, OMIM 250950.

Allele frequency attached by ClinVar (database versions not stated): 1000 Genomes Project 0.00020; 1000 Genomes Project 30x 0.00016; gnomAD 0.00022 and 0.00024; ESP Exome Variant Server 0.00023; gnomAD exomes 0.00015 and 0.00024; ExAC 0.00012; TOPMed 0.00016.
gnomAD v4.1: 377 of 1,614,250 alleles (0.023%); highest among the groups gnomAD compares: Admixed American, 0.043%; no homozygotes.

Submissions (6):

Mayo Clinic Laboratories, Mayo Clinic
Classification: Uncertain significance. Last evaluated: 2025-08-19. Review status: criteria provided, single submitter. Criteria: ACMG Guidelines, 2015. Collection method: clinical testing. Allele origin: germline. Observed: 2 variant alleles.
Comment: PM2_supporting

GeneDx
Classification: Uncertain significance. Last evaluated: 2024-11-27. Review status: criteria provided, single submitter. Criteria: GeneDx Variant Classification Process June 2021. Collection method: clinical testing. Allele origin: germline. Affected: yes.
Comment: Has not been previously published as pathogenic or benign to our knowledge; In silico analysis supports that this missense variant has a deleterious effect on protein structure/function; This variant is associated with the following publications: (PMID: 27535533)

Ambry Genetics
Classification: Uncertain significance for Inborn genetic diseases. Last evaluated: 2023-12-20. Review status: criteria provided, single submitter. Criteria: Ambry Variant Classification Scheme 2023. Collection method: clinical testing. Allele origin: germline.

Labcorp Genetics (formerly Invitae), Labcorp
Classification: Uncertain significance for 3-methylglutaconic aciduria type 1. Last evaluated: 2022-10-03. Review status: criteria provided, single submitter. Criteria: Invitae Variant Classification Sherloc (09022015). Collection method: clinical testing. Allele origin: germline.
Comment: This sequence change replaces glycine, which is neutral and non-polar, with glutamic acid, which is acidic and polar, at codon 264 of the AUH protein (p.Gly264Glu). This variant is present in population databases (rs376821113, gnomAD 0.03%). This variant has not been reported in the literature in individuals affected with AUH-related conditions. ClinVar contains an entry for this variant (Variation ID: 214148). Algorithms developed to predict the effect of missense changes on protein structure and function are either unavailable or do not agree on the potential impact of this missense change (SIFT: "Tolerated"; PolyPhen-2: "Probably Damaging"; Align-GVGD: "Class C0"). In summary, the available evidence is currently insufficient to determine the role of this variant in disease. Therefore, it has been classified as a Variant of Uncertain Significance.

Fulgent Genetics
Classification: Uncertain significance for 3-methylglutaconic aciduria type 1. Last evaluated: 2018-10-31. Review status: criteria provided, single submitter. Criteria: ACMG Guidelines, 2015. Collection method: clinical testing. Allele origin: unknown.

Baylor Genetics
Classification: Uncertain significance for 3-methylglutaconic aciduria type 1. Last evaluated: 2018-04-13. Review status: criteria provided, single submitter. Criteria: ACMG Guidelines, 2015. Collection method: clinical testing. Allele origin: unknown. Affected: yes.
Comment: This variant was determined to be of uncertain significance according to ACMG Guidelines, 2015 [PMID:25741868].